The following is an entry in ClinVar:

NM_001194998.2(CEP152):c.3249del (p.Val1084fs)

Gene: CEP152 (centrosomal protein 152; minus strand). Cytogenetic location: 15q21.1.
Variant type: Deletion.
Coding change: c.3249del on transcript NM_001194998.2 (MANE Select); coding-DNA position 3249, one base deleted (T; older notation c.3249delT).
Protein change: p.Val1084fs; shifts the reading frame from valine 1084.
Molecular consequence: frameshift variant.
Genome position (GRCh38, 1-based): chr15:48,755,999, A deleted on the plus strand (T on the coding strand, the reverse complement: CEP152 is on the minus strand). VCF-style (leftmost placement, unchanged base first): chr15-48755998-CA-C. GRCh37 (hg19) VCF-style: chr15-49048195-CA-C.
Other names: c.3249delT (NM_014985.3, NM_001194998.1, NM_014985.4); c.3249del, p.Val1084fs (NM_014985.4); short protein forms V1084fs.
Identifiers: ClinVar variation 503918 (VCV000503918.16), dbSNP rs754267846, ClinGen allele CA7548400.

ClinVar aggregate classification (germline): Pathogenic/Likely pathogenic. Review status: criteria provided, multiple submitters, no conflicts (2 of 4 stars). 5 submissions from 5 submitters: Pathogenic (3); Likely pathogenic (2). Last evaluated 2025-07-07.

Conditions:
Microcephaly 9, primary, autosomal recessive. Identifiers: Orphanet 2512, MedGen C3553886, MONDO:0013923, OMIM 614852.
CEP152-related disorder. Also called: CEP152-related condition; CEP152-related disorders. Identifiers: MedGen CN239248.

Allele frequency attached by ClinVar (database versions not stated): TOPMed 0.00002; ExAC 0.00005; gnomAD exomes 0.00005; gnomAD 0.00009 and 0.00010; ESP Exome Variant Server 0.00026.

Submissions (5):

Women's Health and Genetics/Laboratory Corporation of America, LabCorp
Classification: Pathogenic for CEP152-related disorder. Last evaluated: 2025-07-07. Review status: criteria provided, single submitter. Criteria: LabCorp Variant Classification Summary - May 2015. Collection method: clinical testing. Allele origin: germline.
Comment: Variant summary: CEP152 c.3249delT (p.Val1084CysfsX7) results in a premature termination codon, predicted to cause a truncation of the encoded protein or absence of the protein due to nonsense mediated decay, which are commonly known mechanisms for disease. The variant allele was found at a frequency of 4.8e-05 in 249420 control chromosomes (gnomAD). This frequency is not significantly higher than estimated for a pathogenic variant in CEP152 causing CEP152-Related Disorders, allowing no conclusion about variant significance. c.3249delT has been observed in individual(s) affected with CEP152-Related Disorders (e.g. Duerinckx_2021). To our knowledge, no experimental evidence demonstrating an impact on protein function has been reported. ClinVar contains an entry for this variant (Variation ID: 503918). Based on the evidence outlined above, the variant was classified as pathogenic.

Labcorp Genetics (formerly Invitae), Labcorp
Classification: Pathogenic. Last evaluated: 2024-06-16. Review status: criteria provided, single submitter. Criteria: Invitae Variant Classification Sherloc (09022015). Collection method: clinical testing. Allele origin: germline.
Comment: This sequence change creates a premature translational stop signal (p.Val1084Cysfs*7) in the CEP152 gene. It is expected to result in an absent or disrupted protein product. Loss-of-function variants in CEP152 are known to be pathogenic (PMID: 21131973). This variant is present in population databases (rs754267846, gnomAD 0.01%). This premature translational stop signal has been observed in individual(s) with CEP152-related conditions (PMID: 34402213). ClinVar contains an entry for this variant (Variation ID: 503918). For these reasons, this variant has been classified as Pathogenic.

PreventionGenetics, part of Exact Sciences
Classification: Pathogenic for CEP152-related condition. Last evaluated: 2023-02-24. Review status: criteria provided, single submitter. Criteria: ACMG Guidelines, 2015. Collection method: clinical testing. Allele origin: germline.
Comment: The CEP152 c.3249delT variant is predicted to result in a frameshift and premature protein termination (p.Val1084Cysfs*7). This variant was reported in a patient with primary microcephaly (Duerinckx et al. 2021. PubMed ID: 34402213). This variant is reported in 0.012% of alleles in individuals of European (Finnish) descent in gnomAD. Frameshift variants in CEP152 are expected to be pathogenic. This variant is interpreted as pathogenic.

GeneDx
Classification: Likely pathogenic. Last evaluated: 2022-06-09. Review status: criteria provided, single submitter. Criteria: GeneDx Variant Classification Process June 2021. Collection method: clinical testing. Allele origin: germline. Affected: yes.
Comment: Frameshift variant predicted to result in protein truncation or nonsense mediated decay in a gene for which loss-of-function is a known mechanism of disease; Not observed at significant frequency in large population cohorts (gnomAD); Observed in a patient with primary microcephaly with a second CEP152 variant but it is not known whether the variants occurred on the same (in cis) or on different (in trans) chromosomes (Duerinckx et al., 2021); This variant is associated with the following publications: (PMID: 31589614, 34402213)

Child Neurology Department, Hôpital Universitaire de Bruxelles
Classification: Likely pathogenic for Microcephaly 9, primary, autosomal recessive. Last evaluated: 2020-01-01. Review status: criteria provided, single submitter. Criteria: ACMG Guidelines, 2015. Collection method: clinical testing. Allele origin: inherited. Affected: yes.

Literature cited by the submitters: PubMed 34402213 (cited by Women's Health and Genetics/Laboratory Corporation of America, LabCorp and Labcorp Genetics (formerly Invitae), Labcorp); PubMed 21131973 (cited by Labcorp Genetics (formerly Invitae), Labcorp).